The following is an entry in ClinVar:

ClinVar aggregate classification (germline): Uncertain significance (1 of 4 stars; one submission).

Allele frequency attached by ClinVar (database versions not stated): TOPMed below 0.00001; gnomAD 0.00001.
gnomAD v4.1: 1 of 1,613,852 alleles (0.000062%); highest among the groups gnomAD compares: Non-Finnish European, 0.000085%; no homozygotes.

Submission:

Labcorp Genetics (formerly Invitae), Labcorp
Classification: Uncertain significance. Last evaluated: 2022-05-07. Review status: criteria provided, single submitter. Criteria: Invitae Variant Classification Sherloc (09022015). Collection method: clinical testing. Allele origin: germline.
Comment: This sequence change replaces valine, which is neutral and non-polar, with leucine, which is neutral and non-polar, at codon 1170 of the NLRP1 protein (p.Val1170Leu). This variant is not present in population databases (gnomAD no frequency). This variant has not been reported in the literature in individuals affected with NLRP1-related conditions. Algorithms developed to predict the effect of missense changes on protein structure and function are either unavailable or do not agree on the potential impact of this missense change (SIFT: "Tolerated"; PolyPhen-2: "Possibly Damaging"; Align-GVGD: "Class C0"). In summary, the available evidence is currently insufficient to determine the role of this variant in disease. Therefore, it has been classified as a Variant of Uncertain Significance.

NM_033004.4(NLRP1):c.3508G>C (p.Val1170Leu)

Gene: NLRP1 (NLR family pyrin domain containing 1; minus strand). Cytogenetic location: 17p13.2.
Variant type: single nucleotide variant.
Coding change: c.3508G>C on transcript NM_033004.4 (MANE Select); coding-DNA position 3508, G replaced by C.
Protein change: p.Val1170Leu; replaces valine 1170 with leucine.
Molecular consequence: missense variant.
Genome position (GRCh38, 1-based): chr17:5,530,493, C>G on the plus strand (G>C on the coding strand, the complement: NLRP1 is on the minus strand). VCF-style: chr17-5530493-C-G. GRCh37 (hg19) VCF-style: chr17-5433813-C-G.
Other names: c.3520G>C, p.Val1174Leu (NM_001033053.3); c.3508G>C, p.Val1170Leu (NM_014922.5); c.3418G>C, p.Val1140Leu (NM_033006.4, NM_033007.4); short protein forms V1170L, V1174L, V1140L.
Identifiers: ClinVar variation 1389289 (VCV001389289.6), dbSNP rs1351532055, ClinGen allele CA397390360.